The following is an entry in ClinVar:

NM_004369.4(COL6A3):c.9351C>T (p.Asp3117=)

Genes: COL6A3 (collagen type VI alpha 3 chain; minus strand), LOC126806573 (CDK7 strongly-dependent group 2 enhancer GRCh37_chr2:238233151-238234350; plus strand). Cytogenetic location: 2q37.3.
Variant type: single nucleotide variant.
Coding change: c.9351C>T on transcript NM_004369.4 (MANE Select); coding-DNA position 9351, C replaced by T.
Protein change: p.Asp3117=; no amino-acid change (aspartic acid 3117 retained).
Molecular consequence: synonymous variant.
Genome position (GRCh38, 1-based): chr2:237,325,702, G>A on the plus strand (C>T on the coding strand, the complement: COL6A3 is on the minus strand). VCF-style: chr2-237325702-G-A. GRCh37 (hg19) VCF-style: chr2-238234345-G-A.
Other names: c.7530C>T, p.Asp2510= (NM_057166.5); c.8733C>T, p.Asp2911= (NM_057167.4).
Identifiers: ClinVar variation 197484 (VCV000197484.50), dbSNP rs148821986, ClinGen allele CA245663.
Genomic context (GRCh38, chr2:237,325,702, plus strand): 5'-ACAGCTTTTGGTGTTTGGATCATAGTACCATTTTAATATGAAATCCCTGCAAGTTCCTTC[G>A]TCTTTCGGCAACTTGCATATATCTTTAATAAAAACATGAGAAAAGGATATTAATGAGAAC-3'
Protein context (NP_004360.2, residues 3107-3127): TETDICKLPK[Asp3117=]EGTCRDFILK

ClinVar aggregate classification (germline): Conflicting classifications of pathogenicity. Review status: criteria provided, conflicting classifications (1 of 4 stars). 4 submissions from 4 submitters: Uncertain significance (1); Benign (1); Likely benign (2). Last evaluated 2025-10-31.

Conditions:
Collagen 6-related myopathy. Identifiers: MedGen CN117976, MONDO:0100225.
Bethlem myopathy 1A. Also called: MYOPATHY, BENIGN CONGENITAL, WITH CONTRACTURES; Bethlem myopathy 1; Bethlem Muscular Dystrophy. Identifiers: Orphanet 610, MedGen CN029274, MONDO:0024530, OMIM 158810.

Allele frequency attached by ClinVar (database versions not stated): ExAC 0.00018; gnomAD exomes 0.00018 and 0.00035; gnomAD 0.00025 and 0.00026; TOPMed 0.00029; ESP Exome Variant Server 0.00069.
gnomAD v4.1: 548 of 1,613,690 alleles (0.034%); highest among the groups gnomAD compares: African/African-American, 0.043%; no homozygotes.

Submissions (4):

Labcorp Genetics (formerly Invitae), Labcorp
Classification: Likely benign for Bethlem myopathy 1A. Last evaluated: 2025-10-31. Review status: criteria provided, single submitter. Criteria: Invitae Variant Classification Sherloc (09022015). Collection method: clinical testing. Allele origin: germline.

CeGaT Center for Human Genetics Tuebingen
Classification: Likely benign. Last evaluated: 2025-04-01. Review status: criteria provided, single submitter. Criteria: CeGaT Center For Human Genetics Tuebingen Variant Classification Criteria Version 2. Collection method: clinical testing. Allele origin: germline. Affected: yes. Observed: 2 variant alleles.
Comment: COL6A3: BP4, BP7

Illumina Laboratory Services, Illumina
Classification: Benign for Collagen VI-related myopathy. Last evaluated: 2018-01-13. Review status: criteria provided, single submitter. Criteria: ICSL Variant Classification Criteria 13 December 2019. Collection method: clinical testing. Allele origin: germline.
Comment: This variant was observed in the ICSL laboratory as part of a predisposition screen in an ostensibly healthy population. It had not been previously curated by ICSL or reported in the Human Gene Mutation Database (HGMD: prior to June 1st, 2018), and was therefore a candidate for classification through an automated scoring system. Utilizing variant allele frequency, disease prevalence and penetrance estimates, and inheritance mode, an automated score was calculated to assess if this variant is too frequent to cause the disease. Based on the score and internal cut-off values, a variant classified as benign is not then subjected to further curation. The score for this variant resulted in a classification of benign for this disease.

Eurofins Ntd Llc (ga)
Classification: Uncertain significance. Last evaluated: 2017-11-10. Review status: criteria provided, single submitter. Criteria: EGL Classification Definitions 2015. Collection method: clinical testing. Allele origin: germline. Observed: 4 variant alleles, 4 heterozygotes.